The following is an entry in ClinVar:

NM_013266.4(CTNNA3):c.2407A>G (p.Ser803Gly)

Gene: CTNNA3 (catenin alpha 3; minus strand). Cytogenetic location: 10q21.3.
Variant type: single nucleotide variant.
Coding change: c.2407A>G on transcript NM_013266.4 (MANE Select); coding-DNA position 2407, A replaced by G.
Protein change: p.Ser803Gly; replaces serine 803 with glycine.
Molecular consequence: missense variant.
Genome position (GRCh38, 1-based): chr10:65,920,611, T>C on the plus strand (A>G on the coding strand, the complement: CTNNA3 is on the minus strand). VCF-style: chr10-65920611-T-C. GRCh37 (hg19) VCF-style: chr10-67680369-T-C.
Other names: c.2407A>G, p.Ser803Gly (NM_001127384.3); short protein forms S803G.
Identifiers: ClinVar variation 3337975 (VCV003337975.3).

ClinVar aggregate classification (germline): Uncertain significance. Review status: criteria provided, multiple submitters, no conflicts (2 of 4 stars). 2 submissions from 2 submitters: Uncertain significance (2). Last evaluated 2024-03-28.

Conditions:
Arrhythmogenic right ventricular dysplasia 13. Also called: Arrhythmogenic right ventricular dysplasia, familial, 13; ARRHYTHMOGENIC RIGHT VENTRICULAR CARDIOMYOPATHY 13. Identifiers: MedGen C3810138, MONDO:0000908, OMIM 615616.

gnomAD v4.1: 5 of 1,606,774 alleles (0.00031%); highest among the groups gnomAD compares: South Asian, 0.0011%; no homozygotes.

Submissions (2):

Labcorp Genetics (formerly Invitae), Labcorp
Classification: Uncertain significance for Arrhythmogenic right ventricular dysplasia 13. Last evaluated: 2024-03-28. Review status: criteria provided, single submitter. Criteria: Invitae Variant Classification Sherloc (09022015). Collection method: clinical testing. Allele origin: germline.
Comment: This sequence change replaces serine, which is neutral and polar, with glycine, which is neutral and non-polar, at codon 803 of the CTNNA3 protein (p.Ser803Gly). This variant is not present in population databases (gnomAD no frequency). This variant has not been reported in the literature in individuals affected with CTNNA3-related conditions. Advanced modeling of protein sequence and biophysical properties (such as structural, functional, and spatial information, amino acid conservation, physicochemical variation, residue mobility, and thermodynamic stability) has been performed at Invitae for this missense variant, however the output from this modeling did not meet the statistical confidence thresholds required to predict the impact of this variant on CTNNA3 protein function. In summary, the available evidence is currently insufficient to determine the role of this variant in disease. Therefore, it has been classified as a Variant of Uncertain Significance.

Clinical Genetics Laboratory, Skane University Hospital Lund
Classification: Uncertain significance. Last evaluated: 2022-05-27. Review status: criteria provided, single submitter. Criteria: ACMG Guidelines, 2015. Collection method: clinical testing. Allele origin: germline. Affected: yes.